The following is an entry in ClinVar:

ClinVar aggregate classification (germline): Uncertain significance (1 of 4 stars; one submission).

Allele frequency attached by ClinVar (database versions not stated): gnomAD exomes below 0.00001.
gnomAD v4.1: 2 of 1,579,164 alleles (0.00013%); highest among the groups gnomAD compares: Non-Finnish European, 0.00017%; no homozygotes.

Submission:

Ambry Genetics
Classification: Uncertain significance. Last evaluated: 2022-10-31. Review status: criteria provided, single submitter. Criteria: Ambry Variant Classification Scheme 2023. Collection method: clinical testing. Allele origin: germline.
Comment: The p.I2207V variant (also known as c.6619A>G), located in coding exon 22 of the POLQ gene, results from an A to G substitution at nucleotide position 6619. The isoleucine at codon 2207 is replaced by valine, an amino acid with highly similar properties. This amino acid position is conserved. In addition, this alteration is predicted to be tolerated by in silico analysis. Since supporting evidence is limited at this time, the clinical significance of this alteration remains unclear.

NM_199420.4(POLQ):c.6619A>G (p.Ile2207Val)

Gene: POLQ (DNA polymerase theta; minus strand). Cytogenetic location: 3q13.33.
Variant type: single nucleotide variant.
Coding change: c.6619A>G on transcript NM_199420.4 (MANE Select); coding-DNA position 6619, A replaced by G.
Protein change: p.Ile2207Val; replaces isoleucine 2207 with valine.
Molecular consequence: missense variant.
Genome position (GRCh38, 1-based): chr3:121,472,089, T>C on the plus strand (A>G on the coding strand, the complement: POLQ is on the minus strand). VCF-style: chr3-121472089-T-C. GRCh37 (hg19) VCF-style: chr3-121190936-T-C.
Other names: short protein forms I2207V.
Identifiers: ClinVar variation 1754497 (VCV001754497.3), dbSNP rs2546773494, ClinGen allele CA354085400.